The following is an entry in ClinVar:

NM_021096.4(CACNA1I):c.3260C>T (p.Pro1087Leu)

Gene: CACNA1I (calcium voltage-gated channel subunit alpha1 I; plus strand). Cytogenetic location: 22q13.1.
Variant type: single nucleotide variant.
Coding change: c.3260C>T on transcript NM_021096.4 (MANE Select); coding-DNA position 3260, C replaced by T.
Protein change: p.Pro1087Leu; replaces proline 1087 with leucine.
Molecular consequence: missense variant.
Genome position (GRCh38, 1-based): chr22:39,662,323, C>T. VCF-style: chr22-39662323-C-T. GRCh37 (hg19) VCF-style: chr22-40058328-C-T.
Other names: c.3155C>T, p.Pro1052Leu (NM_001003406.2); short protein forms P1052L, P1087L.
Identifiers: ClinVar variation 2431486 (VCV002431486.2), dbSNP rs2518165351, ClinGen allele CA411657149.

ClinVar aggregate classification (germline): Uncertain significance (1 of 4 stars; one submission).

Conditions:
Neurodevelopmental disorder with speech impairment and with or without seizures. Also called: Neurodevelopmental disorder with variable intellectual disability and speech impairment, with or without seizures. Identifiers: MedGen C5774252, MONDO:0859313, OMIM 620114.

Submission:

Laboratorio de Genetica e Diagnostico Molecular, Hospital Israelita Albert Einstein
Classification: Uncertain significance for Neurodevelopmental disorder with speech impairment and with or without seizures. Last evaluated: 2022-10-10. Review status: criteria provided, single submitter. Criteria: ACMG Guidelines, 2015. Collection method: clinical testing. Allele origin: germline. Affected: yes.
Comment: ACMG classification criteria: PM2 moderated, PP2 supporting, BP4 supporting